The following is an entry in ClinVar:

NM_022089.4(ATP13A2):c.1190G>A (p.Arg397His)

Gene: ATP13A2 (ATPase cation transporting 13A2; minus strand). Cytogenetic location: 1p36.13.
Variant type: single nucleotide variant.
Coding change: c.1190G>A on transcript NM_022089.4 (MANE Select); coding-DNA position 1190, G replaced by A.
Protein change: p.Arg397His; replaces arginine 397 with histidine.
Molecular consequence: missense variant.
Genome position (GRCh38, 1-based): chr1:16,997,025, C>T on the plus strand (G>A on the coding strand, the complement: ATP13A2 is on the minus strand). VCF-style: chr1-16997025-C-T. GRCh37 (hg19) VCF-style: chr1-17323520-C-T.
Other names: c.1175G>A, p.Arg392His (NM_001141973.3, NM_001141974.3); short protein forms R392H, R397H.
Identifiers: ClinVar variation 1744797 (VCV001744797.5), dbSNP rs781304413, ClinGen allele CA637339.

ClinVar aggregate classification (germline): Uncertain significance. Review status: criteria provided, multiple submitters, no conflicts (2 of 4 stars). 2 submissions from 2 submitters: Uncertain significance (2). Last evaluated 2024-01-24.

Conditions:
Inborn genetic diseases. Identifiers: MedGen C0950123, MeSH D030342.
Autosomal recessive spastic paraplegia type 78. Identifiers: Orphanet 513436, MedGen C5567893, MONDO:0014975, OMIM 617225.
Kufor-Rakeb syndrome (KRS). Also called: PARKINSON DISEASE 9, AUTOSOMAL RECESSIVE, JUVENILE-ONSET. Identifiers: Orphanet 306674, Orphanet 314632, MedGen C1847640, MONDO:0011706, OMIM 606693.

Allele frequency attached by ClinVar (database versions not stated): TOPMed 0.00002; ExAC 0.00003; gnomAD 0.00003.
gnomAD v4.1: 45 of 1,611,882 alleles (0.0028%); highest among the groups gnomAD compares: African/African-American, 0.0067%; no homozygotes.

Submissions (2):

Labcorp Genetics (formerly Invitae), Labcorp
Classification: Uncertain significance for Kufor-Rakeb syndrome; Autosomal recessive spastic paraplegia type 78. Last evaluated: 2024-01-24. Review status: criteria provided, single submitter. Criteria: Invitae Variant Classification Sherloc (09022015). Collection method: clinical testing. Allele origin: germline.
Comment: This sequence change replaces arginine, which is basic and polar, with histidine, which is basic and polar, at codon 397 of the ATP13A2 protein (p.Arg397His). This variant is present in population databases (rs781304413, gnomAD 0.007%). This variant has not been reported in the literature in individuals affected with ATP13A2-related conditions. ClinVar contains an entry for this variant (Variation ID: 1744797). Advanced modeling of protein sequence and biophysical properties (such as structural, functional, and spatial information, amino acid conservation, physicochemical variation, residue mobility, and thermodynamic stability) performed at Invitae indicates that this missense variant is not expected to disrupt ATP13A2 protein function with a negative predictive value of 80%. In summary, the available evidence is currently insufficient to determine the role of this variant in disease. Therefore, it has been classified as a Variant of Uncertain Significance.

Ambry Genetics
Classification: Uncertain significance for Inborn genetic diseases. Last evaluated: 2017-10-12. Review status: criteria provided, single submitter. Criteria: Ambry Variant Classification Scheme 2023. Collection method: clinical testing. Allele origin: germline.
Comment: The p.R397H variant (also known as c.1190G>A), located in coding exon 12 of the ATP13A2 gene, results from a G to A substitution at nucleotide position 1190. The arginine at codon 397 is replaced by histidine, an amino acid with highly similar properties. This amino acid position is not well conserved in available vertebrate species. In addition, the in silico prediction for this alteration is inconclusive. Since supporting evidence is limited at this time, the clinical significance of this alteration remains unclear.